The following is an entry in ClinVar:

NM_024577.4(SH3TC2):c.*20207C>T

Genes: SH3TC2 (SH3 domain and tetratricopeptide repeats 2; minus strand), LOC126807546 (P300/CBP strongly-dependent group 1 enhancer GRCh37_chr5:148363540-148364739; plus strand). Cytogenetic location: 5q32.
Variant type: single nucleotide variant.
Coding change: c.*20207C>T on transcript NM_024577.4 (MANE Select); 20207 bases downstream of the stop codon, C replaced by T.
Molecular consequence: 3 prime UTR variant.
Genome position (GRCh38, 1-based): chr5:148,984,504, G>A on the plus strand (C>T on the coding strand, the complement: SH3TC2 is on the minus strand). VCF-style: chr5-148984504-G-A. GRCh37 (hg19) VCF-style: chr5-148364067-G-A.
Identifiers: ClinVar variation 904482 (VCV000904482.4), dbSNP rs114079860, ClinGen allele CA11947343.
Genomic context (GRCh38, chr5:148,984,504, plus strand): 5'-GACTTCCTGAAGAACTATATTGGGAAAAACCCTGGGGCCTTGTCTGGGCTCATGACTCAT[G>A]AGGAAGGTATGCAGGAAGAGGGAAAAGGTGAAAATTGAGCATTCCTTGACTAAGTCGAAA-3'

ClinVar aggregate classification (germline): Benign. Review status: criteria provided, single submitter (1 of 4 stars). 2 submissions from 1 submitter: Benign (2). Last evaluated 2018-01-12.

Conditions:
Susceptibility to mononeuropathy of the median nerve, mild. Also called: CARPAL TUNNEL SYNDROME, SUSCEPTIBILITY TO. Identifiers: MedGen C3150596, MONDO:0013237, OMIM 613353.
Charcot-Marie-Tooth disease type 4C (CMT4C). Also called: CMT 4C; Charcot-Marie-Tooth Neuropathy Type 4C (CMT4C); CHARCOT-MARIE-TOOTH DISEASE, DEMYELINATING, TYPE 4C; CHARCOT-MARIE-TOOTH DISEASE, DEMYELINATING, AUTOSOMAL RECESSIVE, TYPE 4C; SH3TC2-Related Hereditary Motor and Sensory Neuropathy. Identifiers: Orphanet 99949, MedGen C1866636, MONDO:0011113, OMIM 601596.

Allele frequency attached by ClinVar (database versions not stated): 1000 Genomes Project 0.00779; 1000 Genomes Project 30x 0.00828; TOPMed 0.01208; gnomAD 0.01957 and 0.02033.

Submissions (2):

Illumina Laboratory Services, Illumina
Classification: Benign for Charcot-Marie-Tooth disease type 4C. Last evaluated: 2018-01-12. Review status: criteria provided, single submitter. Criteria: ICSL Variant Classification Criteria 13 December 2019. Collection method: clinical testing. Allele origin: germline.
Comment: This variant was observed in the ICSL laboratory as part of a predisposition screen in an ostensibly healthy population. It had not been previously curated by ICSL or reported in the Human Gene Mutation Database (HGMD: prior to June 1st, 2018), and was therefore a candidate for classification through an automated scoring system. Utilizing variant allele frequency, disease prevalence and penetrance estimates, and inheritance mode, an automated score was calculated to assess if this variant is too frequent to cause the disease. Based on the score and internal cut-off values, a variant classified as benign is not then subjected to further curation. The score for this variant resulted in a classification of benign for this disease.

Illumina Laboratory Services, Illumina
Classification: Benign for Susceptibility to mononeuropathy of the median nerve, mild. Last evaluated: 2018-01-12. Review status: criteria provided, single submitter. Criteria: ICSL Variant Classification Criteria 13 December 2019. Collection method: clinical testing. Allele origin: germline.
Comment: the same text as in the submission from Illumina Laboratory Services, Illumina above.